The following is an entry in ClinVar:

NM_005535.3(IL12RB1):c.1098G>A (p.Thr366=)

Gene: IL12RB1 (interleukin 12 receptor subunit beta 1; minus strand). Cytogenetic location: 19p13.11.
Variant type: single nucleotide variant.
Coding change: c.1098G>A on transcript NM_005535.3 (MANE Select); coding-DNA position 1098, G replaced by A.
Protein change: p.Thr366=; no amino-acid change (threonine 366 retained).
Molecular consequence: synonymous variant.
Genome position (GRCh38, 1-based): chr19:18,069,637, C>T on the plus strand (G>A on the coding strand, the complement: IL12RB1 is on the minus strand). VCF-style: chr19-18069637-C-T. GRCh37 (hg19) VCF-style: chr19-18180447-C-T.
Other names: c.1098G>A, p.Thr366= (NM_001290023.2); c.1218G>A, p.Thr406= (NM_001290024.2).
Identifiers: ClinVar variation 541824 (VCV000541824.53), dbSNP rs61734350, ClinGen allele CA9304960.

ClinVar aggregate classification (germline): Benign/Likely benign. Review status: criteria provided, multiple submitters, no conflicts (2 of 4 stars). 7 submissions from 7 submitters: Benign (1); Likely benign (4). 2 of the submissions do not count toward it. Last evaluated 2026-08-01.

Conditions:
Mendelian susceptibility to mycobacterial diseases due to complete IL12RB1 deficiency. Also called: Immunodeficiency 30; IL12RB1 DEFICIENCY. Identifiers: Orphanet 319552, MedGen C4013949, MONDO:0013955, OMIM 614891.

Allele frequency attached by ClinVar (database versions not stated): 1000 Genomes Project 30x 0.00234; gnomAD 0.00234 and 0.00244; ESP Exome Variant Server 0.00255; TOPMed 0.00255; gnomAD exomes 0.00290 and 0.00295; ExAC 0.00297; 1000 Genomes Project 0.00300.
gnomAD v4.1: 4,723 of 1,613,436 alleles (0.29%); highest among the groups gnomAD compares: Middle Eastern, 1.4%; 13 homozygotes.

Submissions (7):

CeGaT Center for Human Genetics Tuebingen
Classification: Likely benign. Last evaluated: 2026-08-01. Review status: criteria provided, single submitter. Criteria: CeGaT Center For Human Genetics Tuebingen Variant Classification Criteria Version 2. Collection method: clinical testing. Allele origin: germline. Affected: yes. Observed: 9 variant alleles.
Comment: IL12RB1: BP4, BP7

Labcorp Genetics (formerly Invitae), Labcorp
Classification: Benign for Mendelian susceptibility to mycobacterial diseases due to complete IL12RB1 deficiency. Last evaluated: 2026-01-27. Review status: criteria provided, single submitter. Criteria: Invitae Variant Classification Sherloc (09022015). Collection method: clinical testing. Allele origin: germline.

Blueprint Genetics
Classification: Likely benign. Last evaluated: 2024-11-21. Review status: criteria provided, single submitter. Criteria: ACMG Guidelines, 2015. Collection method: clinical testing. Allele origin: germline.

Illumina Laboratory Services, Illumina
Classification: Likely benign for Mendelian susceptibility to mycobacterial diseases due to complete IL12RB1 deficiency. Last evaluated: 2018-01-13. Review status: criteria provided, single submitter. Criteria: ICSL Variant Classification Criteria 13 December 2019. Collection method: clinical testing. Allele origin: germline.
Comment: This variant was observed in the ICSL laboratory as part of a predisposition screen in an ostensibly healthy population. It had not been previously curated by ICSL or reported in the Human Gene Mutation Database (HGMD: prior to June 1st, 2018), and was therefore a candidate for classification through an automated scoring system. Utilizing variant allele frequency, disease prevalence and penetrance estimates, and inheritance mode, an automated score was calculated to assess if this variant is too frequent to cause the disease. Based on the score and internal cut-off values, a variant classified as likely benign is not then subjected to further curation. The score for this variant resulted in a classification of likely benign for this disease.

Breakthrough Genomics
Classification: Likely benign. Review status: criteria provided, single submitter. Criteria: ACMG Guidelines, 2015. Collection method: not provided. Allele origin: germline. Inheritance: Autosomal recessive inheritance. Affected: yes.

Clinical Genetics DNA and cytogenetics Diagnostics Lab, Erasmus MC, Erasmus Medical Center
Classification: Likely benign. Review status: no assertion criteria provided. Collection method: clinical testing. Allele origin: germline. Affected: yes. Study: VKGL Data-share Consensus. Not counted in ClinVar's aggregate classification.

Genome Diagnostics Laboratory, University Medical Center Utrecht
Classification: Likely benign. Review status: no assertion criteria provided. Collection method: clinical testing. Allele origin: germline. Affected: yes. Study: VKGL Data-share Consensus. Not counted in ClinVar's aggregate classification.